The following is an entry in ClinVar:

ClinVar aggregate classification (germline): Uncertain significance (1 of 4 stars; one submission).

Submission:

Labcorp Genetics (formerly Invitae), Labcorp
Classification: Uncertain significance. Last evaluated: 2019-10-30. Review status: criteria provided, single submitter. Criteria: Invitae Variant Classification Sherloc (09022015). Collection method: clinical testing. Allele origin: germline.
Comment: In summary, the available evidence is currently insufficient to determine the role of this variant in disease. Therefore, it has been classified as a Variant of Uncertain Significance. Algorithms developed to predict the effect of sequence changes on RNA splicing suggest that this variant may create or strengthen a splice site, but this prediction has not been confirmed by published transcriptional studies. This variant has not been reported in the literature in individuals with SZT2-related conditions. This variant is not present in population databases (ExAC no frequency). This sequence change affects codon 2144 of the SZT2 mRNA. It is a 'silent' change, meaning that it does not change the encoded amino acid sequence of the SZT2 protein.

NM_001365999.1(SZT2):c.6603C>T (p.Cys2201=)

Gene: SZT2 (SZT2 subunit of KICSTOR complex; plus strand). Cytogenetic location: 1p34.2.
Variant type: single nucleotide variant.
Coding change: c.6603C>T on transcript NM_001365999.1 (MANE Select); coding-DNA position 6603, C replaced by T.
Protein change: p.Cys2201=; no amino-acid change (cysteine 2201 retained).
Molecular consequence: synonymous variant.
Genome position (GRCh38, 1-based): chr1:43,438,793, C>T. VCF-style: chr1-43438793-C-T. GRCh37 (hg19) VCF-style: chr1-43904464-C-T.
Other names: c.6432C>T, p.Cys2144= (NM_015284.4).
Identifiers: ClinVar variation 966440 (VCV000966440.9), dbSNP rs1654739839, ClinGen allele CA417550122.
Genomic context (GRCh38, chr1:43,438,793, plus strand): 5'-ATGTCGGCGCCTGGATGAGGCCACGCTGGACGTCATCACAGTTATGCTTGTTCGGAACTG[C>T]AAGCTGACACCAGCTGATGTGGAGGTCAGCTCCCCTCTAGGCACCAGCATCCTTCCCAGA-3'
Protein context (NP_001352928.1, residues 2191-2211): DVITVMLVRN[Cys2201=]KLTPADVEFI